The following is an entry in ClinVar:

NM_001145809.2(MYH14):c.1118T>C (p.Met373Thr)

Gene: MYH14 (myosin heavy chain 14; plus strand). Cytogenetic location: 19q13.33.
Variant type: single nucleotide variant.
Coding change: c.1118T>C on transcript NM_001145809.2 (MANE Select); coding-DNA position 1118, T replaced by C.
Protein change: p.Met373Thr; replaces methionine 373 with threonine.
Molecular consequence: missense variant.
Genome position (GRCh38, 1-based): chr19:50,244,245, T>C. VCF-style: chr19-50244245-T-C. GRCh37 (hg19) VCF-style: chr19-50747502-T-C.
Other names: c.1118T>C, p.Met373Thr (NM_001077186.2); c.1094T>C, p.Met365Thr (NM_024729.4); short protein forms M365T, M373T.
Identifiers: ClinVar variation 4799650 (VCV004799650.1).
Genomic context (GRCh38, chr19:50,244,245, plus strand): 5'-TTAAGACCACACATCGGGGTCCAGAGCCACACGTGACCTCTGTCCTTGCGTCCCCAGCCA[T>C]GCTGCGGATGGTCTCAGCAGTTCTCCAGTTTGGCAACATTGCCTTGAAGAGAGAACGGAA-3'
Protein context (NP_001139281.1, residues 363-383): LGFSHEEIIS[Met373Thr]LRMVSAVLQF

ClinVar aggregate classification (germline): Uncertain significance (1 of 4 stars; one submission).

gnomAD v4.1: 1 of 1,613,588 alleles (0.000062%); highest among the groups gnomAD compares: Admixed American, 0.0017%; no homozygotes.

Submission:

Labcorp Genetics (formerly Invitae), Labcorp
Classification: Uncertain significance. Last evaluated: 2025-10-07. Review status: criteria provided, single submitter. Criteria: Invitae Variant Classification Sherloc (09022015). Collection method: clinical testing. Allele origin: germline.
Comment: This sequence change replaces methionine, which is neutral and non-polar, with threonine, which is neutral and polar, at codon 365 of the MYH14 protein (p.Met365Thr). This variant is not present in population databases (gnomAD no frequency). This variant has not been reported in the literature in individuals affected with MYH14-related conditions. Invitae Evidence Modeling of protein sequence and biophysical properties (such as structural, functional, and spatial information, amino acid conservation, physicochemical variation, residue mobility, and thermodynamic stability) indicates that this missense variant is not expected to disrupt MYH14 protein function with a negative predictive value of 80%. In summary, the available evidence is currently insufficient to determine the role of this variant in disease. Therefore, it has been classified as a Variant of Uncertain Significance.